The following is an entry in ClinVar:

NM_007194.4(CHEK2):c.214_223del (p.Tyr72fs)

Gene: CHEK2 (checkpoint kinase 2; minus strand). Cytogenetic location: 22q12.1.
Variant type: Deletion.
Coding change: c.214_223del on transcript NM_007194.4 (MANE Select); coding-DNA positions 214 to 223, 10 bases deleted (TATTCTATTC; older notation c.214_223delTATTCTATTC).
Protein change: p.Tyr72fs; shifts the reading frame from tyrosine 72.
Molecular consequence: frameshift variant.
Genome position (GRCh38, 1-based): chr22:28,734,499-28,734,508, GAATAGAATA deleted on the plus strand (TATTCTATTC on the coding strand, the reverse complement: CHEK2 is on the minus strand); deleting any 10 consecutive bases within chr22:28,734,499-28,734,510 gives the same sequence; the c. name uses the placement nearest the transcript's 3' end. VCF-style (leftmost placement, unchanged base first): chr22-28734498-GGAATAGAATA-G. GRCh37 (hg19) VCF-style: chr22-29130486-GGAATAGAATA-G.
Other names: c.212_221delTCTATTCTAT, p.Tyr72Leufs (NM_001005735.3, NM_001349956.3, NM_145862.3); c.-566_-557delTCTATTCTAT (NM_001257387.3); short protein forms Y72fs.
Identifiers: ClinVar variation 2696039 (VCV002696039.3), dbSNP rs766416564, ClinGen allele CA2697552628.

ClinVar aggregate classification (germline): Pathogenic (1 of 4 stars; one submission).

Conditions:
Familial cancer of breast. Also called: hereditary breast carcinoma; Hereditary breast cancer; BREAST CANCER, FAMILIAL. Identifiers: Orphanet 227535, MedGen C0346153, MONDO:0016419, OMIM 114480. Disease mechanism: loss of function.

Submission:

Labcorp Genetics (formerly Invitae), Labcorp
Classification: Pathogenic for Familial cancer of breast. Last evaluated: 2023-11-15. Review status: criteria provided, single submitter. Criteria: Invitae Variant Classification Sherloc (09022015). Collection method: clinical testing. Allele origin: germline.
Comment: This sequence change creates a premature translational stop signal (p.Tyr72Leufs*35) in the CHEK2 gene. It is expected to result in an absent or disrupted protein product. Loss-of-function variants in CHEK2 are known to be pathogenic (PMID: 21876083, 24713400). This variant is not present in population databases (gnomAD no frequency). This variant has not been reported in the literature in individuals affected with CHEK2-related conditions. For these reasons, this variant has been classified as Pathogenic.

Literature cited by the submitters: PubMed 21876083; PubMed 24713400.